The following is an entry in ClinVar:

NM_024580.6(EFL1):c.2929C>T (p.Pro977Ser)

Gene: EFL1 (elongation factor like GTPase 1; minus strand). Cytogenetic location: 15q25.2.
Variant type: single nucleotide variant.
Coding change: c.2929C>T on transcript NM_024580.6 (MANE Select); coding-DNA position 2929, C replaced by T.
Protein change: p.Pro977Ser; replaces proline 977 with serine.
Molecular consequence: missense variant. On other transcripts: non-coding transcript variant (1).
Genome position (GRCh38, 1-based): chr15:82,151,525, G>A on the plus strand (C>T on the coding strand, the complement: EFL1 is on the minus strand). VCF-style: chr15-82151525-G-A. GRCh37 (hg19) VCF-style: chr15-82443866-G-A.
Other names: p.Pro977Ser; c.2776C>T, p.Pro926Ser (NM_001040610.3); c.2140C>T, p.Pro714Ser (NM_001322844.2); c.2929C>T, p.Pro977Ser (NM_001322845.2); c.2929C>T (NM_024580.5); short protein forms P977S, P714S, P926S.
Identifiers: ClinVar variation 1398889 (VCV001398889.7), dbSNP rs201731639, ClinGen allele CA7697679.

ClinVar aggregate classification (germline): Uncertain significance. Review status: criteria provided, multiple submitters, no conflicts (2 of 4 stars). 3 submissions from 3 submitters: Uncertain significance (3). Last evaluated 2025-12-31.

Conditions:
Inborn genetic diseases. Identifiers: MedGen C0950123, MeSH D030342.

Allele frequency attached by ClinVar (database versions not stated): ExAC 0.00007; TOPMed 0.00009; gnomAD exomes 0.00010 and 0.00021; gnomAD 0.00013 and 0.00014; ESP Exome Variant Server 0.00024.
gnomAD v4.1: 316 of 1,613,960 alleles (0.02%); highest among the groups gnomAD compares: Non-Finnish European, 0.026%; no homozygotes.

Submissions (3):

Ambry Genetics
Classification: Uncertain significance for Inborn genetic diseases. Last evaluated: 2025-12-31. Review status: criteria provided, single submitter. Criteria: Ambry Variant Classification Scheme 2023. Collection method: clinical testing. Allele origin: germline.
Comment: The c.2929C>T (p.P977S) alteration is located in exon 18 (coding exon 17) of the EFL1 gene. This alteration results from a C to T substitution at nucleotide position 2929, causing the proline (P) at amino acid position 977 to be replaced by a serine (S). Based on data from gnomAD, the T allele has an overall frequency of 0.011% (31/280758) total alleles studied. The highest observed frequency was 0.021% (27/128548) of European (non-Finnish) alleles. Based on insufficient or conflicting evidence, the clinical significance of this alteration remains unclear.

Mayo Clinic Laboratories, Mayo Clinic
Classification: Uncertain significance. Last evaluated: 2025-05-28. Review status: criteria provided, single submitter. Criteria: ACMG Guidelines, 2015. Collection method: clinical testing. Allele origin: germline. Observed: 1 variant allele.

Labcorp Genetics (formerly Invitae), Labcorp
Classification: Uncertain significance. Last evaluated: 2025-01-01. Review status: criteria provided, single submitter. Criteria: Invitae Variant Classification Sherloc (09022015). Collection method: clinical testing. Allele origin: germline.
Comment: This sequence change replaces proline, which is neutral and non-polar, with serine, which is neutral and polar, at codon 977 of the EFL1 protein (p.Pro977Ser). This variant is present in population databases (rs201731639, gnomAD 0.02%). This variant has not been reported in the literature in individuals affected with EFL1-related conditions. ClinVar contains an entry for this variant (Variation ID: 1398889). Invitae Evidence Modeling of protein sequence and biophysical properties (such as structural, functional, and spatial information, amino acid conservation, physicochemical variation, residue mobility, and thermodynamic stability) indicates that this missense variant is not expected to disrupt EFL1 protein function with a negative predictive value of 80%. In summary, the available evidence is currently insufficient to determine the role of this variant in disease. Therefore, it has been classified as a Variant of Uncertain Significance.